The following is an entry in ClinVar:

NM_001365276.2(TNXB):c.2779+1149A>C

Gene: TNXB (tenascin XB; minus strand). Cytogenetic location: 6p21.33.
Variant type: single nucleotide variant.
Coding change: c.2779+1149A>C on transcript NM_001365276.2 (MANE Select); 1149 bases into the intron after coding-DNA position 2779, A replaced by C.
Molecular consequence: intron variant.
Genome position (GRCh38, 1-based): chr6:32,087,636, T>G on the plus strand (A>C on the coding strand, the complement: TNXB is on the minus strand). VCF-style: chr6-32087636-T-G. GRCh37 (hg19) VCF-style: chr6-32055413-T-G.
Other names: c.2779+1149A>C (NM_019105.8).
Identifiers: ClinVar variation 2656446 (VCV002656446.24), dbSNP rs868639071, ClinGen allele CA136900169.

ClinVar aggregate classification (germline): Likely benign (1 of 4 stars; one submission).

Submission:

CeGaT Center for Human Genetics Tuebingen
Classification: Likely benign. Last evaluated: 2022-12-01. Review status: criteria provided, single submitter. Criteria: CeGaT Center For Human Genetics Tuebingen Variant Classification Criteria Version 2. Collection method: clinical testing. Allele origin: germline. Affected: yes. Observed: 1 variant allele.
Comment: TNXB: BP4, BP7